The following is an entry in ClinVar:

ClinVar aggregate classification (germline): Pathogenic/Likely pathogenic. Review status: criteria provided, multiple submitters, no conflicts (2 of 4 stars). 6 submissions from 6 submitters: Pathogenic (2); Likely pathogenic (4). Last evaluated 2024-08-09.

Conditions:
NF1-related disorder. Also called: NF1-related condition. Identifiers: MedGen CN379171.
Neurofibromatosis, type 1 (NF1). Also called: VON RECKLINGHAUSEN DISEASE; Peripheral type neurofibromatosis; NEUROFIBROMATOSIS, TYPE I, SOMATIC; Neurofibromatosis, type I. Identifiers: Orphanet 636, MedGen C0027831, MONDO:0018975, OMIM 162200. Disease mechanism: loss of function.

Submissions (6):

Labcorp Genetics (formerly Invitae), Labcorp
Classification: Pathogenic for Neurofibromatosis, type 1. Last evaluated: 2024-08-09. Review status: criteria provided, single submitter. Criteria: Invitae Variant Classification Sherloc (09022015). Collection method: clinical testing. Allele origin: germline.
Comment: This sequence change falls in intron 37 of the NF1 gene. It does not directly change the encoded amino acid sequence of the NF1 protein. RNA analysis indicates that this variant induces altered splicing and may result in an absent or altered protein product. This variant is not present in population databases (gnomAD no frequency). This variant has been observed in individual(s) with clinical features of neurofibromatosis type 1 (PMID: 18546366, 22105171, 30308447). This variant is also known as c.5609+5G>T and IVS37+5G >T. ClinVar contains an entry for this variant (Variation ID: 810859). Variants that disrupt the consensus splice site are a relatively common cause of aberrant splicing (PMID: 17576681, 9536098). Studies have shown that this variant results in skipping of exon 37, and produces a non-functional protein and/or introduces a premature termination codon (PMID: 18546366). This variant disrupts the c.5546+5G nucleotide in the NF1 gene. Other variant(s) that disrupt this nucleotide have been determined to be pathogenic (PMID: 19292874, 29673180; Invitae). This suggests that this nucleotide is clinically significant, and that variants that disrupt this position are likely to be disease-causing. For these reasons, this variant has been classified as Pathogenic.

Genome Diagnostics Laboratory, The Hospital for Sick Children
Classification: Likely pathogenic for Neurofibromatosis, type 1. Last evaluated: 2024-07-16. Review status: criteria provided, single submitter. Criteria: ACMG Guidelines, 2015. Collection method: clinical testing. Allele origin: germline. Affected: yes.
Comment: This missense variant is located at the +5 splice site of exon 37. In silico prediction programs predict that this variant may affect splicing. However, this prediction has not been confirmed by RNA functional studies. It has been reported previously in individuals with Neurofibromatosis type 1 (PMIDs: 18546366, 31130284). This variant has not been observed in population controls of the Genome Aggregation Database (gnomAD). Based on the evidence above, this variant is classified as likely pathogenic (ACMG criteria - PS4_Moderate, PM2, PP3, PP5).

Blueprint Genetics
Classification: Pathogenic for NF1-related disorders. Last evaluated: 2024-06-11. Review status: criteria provided, single submitter. Criteria: ACMG Guidelines, 2015. Collection method: clinical testing. Allele origin: germline. Affected: yes. Observed: 1 variant allele.

Department of Human Genetics, Hannover Medical School
Classification: Likely pathogenic for Neurofibromatosis, type 1. Last evaluated: 2022-04-01. Review status: criteria provided, single submitter. Criteria: ACMG Guidelines, 2015. Collection method: clinical testing. Allele origin: germline. Inheritance: Autosomal dominant inheritance. Affected: yes.

ARUP Laboratories, Molecular Genetics and Genomics, ARUP Laboratories
Classification: Likely pathogenic. Last evaluated: 2019-06-01. Review status: criteria provided, single submitter. Criteria: ARUP Molecular Germline Variant Investigation Process. Collection method: clinical testing. Allele origin: germline.
Comment: The NF1 c.5609+5G>T variant, also known as c.5546+5G>T, is described in the literature in an individual with a clinical diagnosis of neurofibromatosis type I (NF1) and shown to alter mRNA splicing (Pros 2008). This variant is absent from general population databases (Exome Variant Server, Genome Aggregation Database), indicating it is not a common polymorphism. This is an intronic variant in a moderately conserved nucleotide, and computational analyses (Alamut v.2.11) predict that this variant impacts splicing by weakening the nearby canonical donor splice site. Based on available information, this variant is considered to be likely pathogenic. REFERENCES Pros E et al. Nature and mRNA effect of 282 different NF1 point mutations: focus on splicing alterations. Hum Mutat. 2008 Sep;29(9):E173-93.

Women's Health and Genetics/Laboratory Corporation of America, LabCorp
Classification: Likely pathogenic for Neurofibromatosis, type 1. Last evaluated: 2019-01-18. Review status: criteria provided, single submitter. Criteria: LabCorp Variant Classification Summary - May 2015. Collection method: clinical testing. Allele origin: germline.
Comment: Variant summary: NF1 c.5546+5G>T alters a non-conserved nucleotide located close to a canonical splice site and therefore could affect mRNA splicing, leading to a significantly altered protein sequence. Several computational tools predict a significant impact on normal splicing: three predict the variant abolishes a 5 splicing donor site, and two predict the variant weakens a 5' donor site. At least one publication reports experimental evidence that this variant affects mRNA splicing (Pros_2008). The variant was absent in 245520 control chromosomes (gnomAD). c.5546+5G>T has been reported in the literature in individuals affected with Neurofibromatosis Type 1 (Pros_2008, Tsipi_2018, Wang_2011). These data indicate that the variant may be associated with disease. No clinical diagnostic laboratories have submitted clinical-significance assessments for this variant to ClinVar after 2014. Based on the evidence outlined above, the variant was classified as likely pathogenic.

Literature cited by the submitters: PubMed 18546366 (cited by Labcorp Genetics (formerly Invitae), Labcorp and Women's Health and Genetics/Laboratory Corporation of America, LabCorp); PubMed 22105171 (cited by Labcorp Genetics (formerly Invitae), Labcorp and Women's Health and Genetics/Laboratory Corporation of America, LabCorp); PubMed 30308447 (cited by Labcorp Genetics (formerly Invitae), Labcorp and Women's Health and Genetics/Laboratory Corporation of America, LabCorp); PubMed 17576681 (cited by Labcorp Genetics (formerly Invitae), Labcorp); PubMed 9536098 (cited by Labcorp Genetics (formerly Invitae), Labcorp); PubMed 19292874 (cited by Labcorp Genetics (formerly Invitae), Labcorp); PubMed 29673180 (cited by Labcorp Genetics (formerly Invitae), Labcorp).

NM_001042492.3(NF1):c.5609+5G>T

Gene: NF1 (neurofibromin 1; plus strand). Cytogenetic location: 17q11.2.
Variant type: single nucleotide variant.
Coding change: c.5609+5G>T on transcript NM_001042492.3 (MANE Select); 5 bases into the intron after coding-DNA position 5609, G replaced by T.
Molecular consequence: intron variant.
Genome position (GRCh38, 1-based): chr17:31,327,844, G>T. VCF-style: chr17-31327844-G-T. GRCh37 (hg19) VCF-style: chr17-29654862-G-T.
Other names: c.5546+5G>T (NM_000267.4).
Identifiers: ClinVar variation 810859 (VCV000810859.21), dbSNP rs1597832498, ClinGen allele CA915949844.